The following is an entry in ClinVar:

ClinVar aggregate classification (germline): Uncertain significance (1 of 4 stars; one submission).

Allele frequency attached by ClinVar (database versions not stated): gnomAD exomes below 0.00001; ExAC 0.00001; gnomAD 0.00001; TOPMed 0.00005.

Submission:

Labcorp Genetics (formerly Invitae), Labcorp
Classification: Uncertain significance. Last evaluated: 2022-09-29. Review status: criteria provided, single submitter. Criteria: Invitae Variant Classification Sherloc (09022015). Collection method: clinical testing. Allele origin: germline.
Comment: In summary, the available evidence is currently insufficient to determine the role of this variant in disease. Therefore, it has been classified as a Variant of Uncertain Significance. Advanced modeling of protein sequence and biophysical properties (such as structural, functional, and spatial information, amino acid conservation, physicochemical variation, residue mobility, and thermodynamic stability) performed at Invitae indicates that this missense variant is not expected to disrupt ERBB2 protein function. This variant has not been reported in the literature in individuals affected with ERBB2-related conditions. The frequency data for this variant in the population databases is considered unreliable, as metrics indicate poor data quality at this position in the gnomAD database. This sequence change replaces alanine, which is neutral and non-polar, with threonine, which is neutral and polar, at codon 375 of the ERBB2 protein (p.Ala375Thr).

NM_004448.4(ERBB2):c.1123G>A (p.Ala375Thr)

Gene: ERBB2 (erb-b2 receptor tyrosine kinase 2; plus strand). Cytogenetic location: 17q12.
Variant type: single nucleotide variant.
Coding change: c.1123G>A on transcript NM_004448.4 (MANE Select); coding-DNA position 1123, G replaced by A.
Protein change: p.Ala375Thr; replaces alanine 375 with threonine.
Molecular consequence: missense variant. On other transcripts: non-coding transcript variant (1).
Genome position (GRCh38, 1-based): chr17:39,712,423, G>A. VCF-style: chr17-39712423-G-A. GRCh37 (hg19) VCF-style: chr17-37868676-G-A.
Other names: c.1033G>A, p.Ala345Thr (NM_001005862.3, NM_001289938.2, NM_001382782.1 and 1 more transcripts); c.1078G>A, p.Ala360Thr (NM_001289936.2); c.1123G>A, p.Ala375Thr (NM_001289937.2, NM_001382784.1, NM_001382785.1 and 16 more transcripts); c.1198G>A, p.Ala400Thr (NM_001382787.1); c.1114G>A, p.Ala372Thr (NM_001382791.1); c.943G>A, p.Ala315Thr (NM_001382799.1); c.865G>A, p.Ala289Thr (NM_001382802.1); c.295G>A, p.Ala99Thr (NM_001382804.1); short protein forms A289T, A315T, A345T, A360T, A372T, A375T, A400T, A99T.
Identifiers: ClinVar variation 1719908 (VCV001719908.5), dbSNP rs752664566, ClinGen allele CA8533868.
Genomic context (GRCh38, chr17:39,712,423, plus strand): 5'-GCAGTTACCAGTGCCAATATCCAGGAGTTTGCTGGCTGCAAGAAGATCTTTGGGAGCCTG[G>A]CATTTCTGCCGGAGAGCTTTGATGGGTAAGAGTGGGCACGATGACCTGAGACAGTGTCAG-3'
Protein context (NP_004439.2, residues 365-385): AGCKKIFGSL[Ala375Thr]FLPESFDGDP